The following is an entry in ClinVar:

NM_001042492.3(NF1):c.6937A>T (p.Lys2313Ter)

Gene: NF1 (neurofibromin 1; plus strand). Cytogenetic location: 17q11.2.
Variant type: single nucleotide variant.
Coding change: c.6937A>T on transcript NM_001042492.3 (MANE Select); coding-DNA position 6937, A replaced by T.
Protein change: p.Lys2313Ter; replaces lysine 2313 with a stop codon.
Molecular consequence: nonsense.
Genome position (GRCh38, 1-based): chr17:31,340,520, A>T. VCF-style: chr17-31340520-A-T. GRCh37 (hg19) VCF-style: chr17-29667538-A-T.
Other names: c.6874A>T, p.Lys2292Ter (NM_000267.4); short protein forms K2292*, K2313*.
Identifiers: ClinVar variation 4727915 (VCV004727915.1).
Genomic context (GRCh38, chr17:31,340,520, plus strand): 5'-TGTCATGATTCATCTTACTAGCCTCAAACATATCTTCTTTGCCAGGACTCGCCTCTGCAC[A>T]AAGCCCTCTTTTGGGTAGCTGTGGCTGTGCTGCAGCTTGATGAGGTCAACTTGTATTCAG-3'

ClinVar aggregate classification (germline): Pathogenic (1 of 4 stars; one submission).

Conditions:
Neurofibromatosis, type 1 (NF1). Also called: NEUROFIBROMATOSIS, TYPE I, SOMATIC; VON RECKLINGHAUSEN DISEASE; Peripheral type neurofibromatosis; Neurofibromatosis, type I. Identifiers: Orphanet 636, MedGen C0027831, MONDO:0018975, OMIM 162200. Disease mechanism: loss of function.

Submission:

Labcorp Genetics (formerly Invitae), Labcorp
Classification: Pathogenic for Neurofibromatosis, type 1. Last evaluated: 2025-09-27. Review status: criteria provided, single submitter. Criteria: Invitae Variant Classification Sherloc (09022015). Collection method: clinical testing. Allele origin: germline.
Comment: This sequence change creates a premature translational stop signal (p.Lys2292*) in the NF1 gene. It is expected to result in an absent or disrupted protein product. Loss-of-function variants in NF1 are known to be pathogenic (PMID: 10712197, 23913538). This variant is not present in population databases (gnomAD no frequency). This variant has not been reported in the literature in individuals affected with NF1-related conditions. For these reasons, this variant has been classified as Pathogenic.

Literature cited by the submitters: PubMed 10712197; PubMed 23913538.